The following is an entry in ClinVar:

ClinVar aggregate classification (germline): Uncertain significance. Review status: criteria provided, multiple submitters, no conflicts (2 of 4 stars). 2 submissions from 2 submitters: Uncertain significance (2). Last evaluated 2025-10-22.

Conditions:
Inborn genetic diseases. Identifiers: MedGen C0950123, MeSH D030342.
L-2-hydroxyglutaric aciduria (L2HGA). Identifiers: Orphanet 79314, MedGen C1855995, MONDO:0009370, OMIM 236792, HP:0040144.

Allele frequency attached by ClinVar (database versions not stated): gnomAD exomes 0.00001 and 0.00002; ExAC 0.00002; gnomAD 0.00005; TOPMed 0.00006.

Submissions (2):

Ambry Genetics
Classification: Uncertain significance for Inborn genetic diseases. Last evaluated: 2025-10-22. Review status: criteria provided, single submitter. Criteria: Ambry Variant Classification Scheme 2023. Collection method: clinical testing. Allele origin: germline.

Labcorp Genetics (formerly Invitae), Labcorp
Classification: Uncertain significance for L-2-hydroxyglutaric aciduria. Last evaluated: 2021-05-01. Review status: criteria provided, single submitter. Criteria: Invitae Variant Classification Sherloc (09022015). Collection method: clinical testing. Allele origin: germline.
Comment: This sequence change replaces isoleucine with threonine at codon 51 of the L2HGDH protein (p.Ile51Thr). The isoleucine residue is weakly conserved and there is a moderate physicochemical difference between isoleucine and threonine. This variant is present in population databases (rs760247218, ExAC 0.02%). This variant has not been reported in the literature in individuals with L2HGDH-related conditions. Algorithms developed to predict the effect of missense changes on protein structure and function are either unavailable or do not agree on the potential impact of this missense change (SIFT: "Deleterious"; PolyPhen-2: "Benign"; Align-GVGD: "Class C25"). Algorithms developed to predict the effect of sequence changes on RNA splicing suggest that this variant may create or strengthen a splice site, but this prediction has not been confirmed by published transcriptional studies. In summary, the available evidence is currently insufficient to determine the role of this variant in disease. Therefore, it has been classified as a Variant of Uncertain Significance.

NM_024884.3(L2HGDH):c.152T>C (p.Ile51Thr)

Gene: L2HGDH (L-2-hydroxyglutarate dehydrogenase; minus strand). Cytogenetic location: 14q21.3.
Variant type: single nucleotide variant.
Coding change: c.152T>C on transcript NM_024884.3 (MANE Select); coding-DNA position 152, T replaced by C.
Protein change: p.Ile51Thr; replaces isoleucine 51 with threonine.
Molecular consequence: missense variant.
Genome position (GRCh38, 1-based): chr14:50,303,006, A>G on the plus strand (T>C on the coding strand, the complement: L2HGDH is on the minus strand). VCF-style: chr14-50303006-A-G. GRCh37 (hg19) VCF-style: chr14-50769724-A-G.
Other names: c.152T>C (NM_024884.2); short protein forms I51T.
Identifiers: ClinVar variation 1018292 (VCV001018292.9), dbSNP rs760247218, ClinGen allele CA7178105.